The following is an entry in ClinVar:

NM_006766.5(KAT6A):c.4591C>A (p.Pro1531Thr)

Gene: KAT6A (lysine acetyltransferase 6A; minus strand). Cytogenetic location: 8p11.21.
Variant type: single nucleotide variant.
Coding change: c.4591C>A on transcript NM_006766.5 (MANE Select); coding-DNA position 4591, C replaced by A.
Protein change: p.Pro1531Thr; replaces proline 1531 with threonine.
Molecular consequence: missense variant.
Genome position (GRCh38, 1-based): chr8:41,933,629, G>T on the plus strand (C>A on the coding strand, the complement: KAT6A is on the minus strand). VCF-style: chr8-41933629-G-T. GRCh37 (hg19) VCF-style: chr8-41791147-G-T.
Other names: short protein forms P1531T.
Identifiers: ClinVar variation 4747364 (VCV004747364.1).

ClinVar aggregate classification (germline): Uncertain significance (1 of 4 stars; one submission).

gnomAD v4.1: 1 of 1,614,114 alleles (0.000062%); highest among the groups gnomAD compares: Non-Finnish European, 0.000085%; no homozygotes.

Submission:

Labcorp Genetics (formerly Invitae), Labcorp
Classification: Uncertain significance. Last evaluated: 2025-09-21. Review status: criteria provided, single submitter. Criteria: Invitae Variant Classification Sherloc (09022015). Collection method: clinical testing. Allele origin: germline.
Comment: This sequence change replaces proline, which is neutral and non-polar, with threonine, which is neutral and polar, at codon 1531 of the KAT6A protein (p.Pro1531Thr). This variant is not present in population databases (gnomAD no frequency). This variant has not been reported in the literature in individuals affected with KAT6A-related conditions. Invitae Evidence Modeling of protein sequence and biophysical properties (such as structural, functional, and spatial information, amino acid conservation, physicochemical variation, residue mobility, and thermodynamic stability) indicates that this missense variant is not expected to disrupt KAT6A protein function with a negative predictive value of 95%. In summary, the available evidence is currently insufficient to determine the role of this variant in disease. Therefore, it has been classified as a Variant of Uncertain Significance.